The following is an entry in ClinVar:

ClinVar aggregate classification (germline): Pathogenic (1 of 4 stars; one submission).

Conditions:
Arrhythmogenic right ventricular dysplasia 8 (ARVD8). Also called: Arrhythmogenic Right Ventricular Dysplasia/Cardiomyopathy 8; ARRHYTHMOGENIC RIGHT VENTRICULAR DYSPLASIA, FAMILIAL, 8; ARRHYTHMOGENIC RIGHT VENTRICULAR CARDIOMYOPATHY 8. Identifiers: MedGen C1843896, MONDO:0011831, OMIM 607450.
Arrhythmogenic cardiomyopathy with wooly hair and keratoderma. Also called: PALMOPLANTAR KERATODERMA WITH LEFT VENTRICULAR CARDIOMYOPATHY AND WOOLLY HAIR; Carvajal syndrome; Arrhythmogenic cardiomyopathy with woolly hair and keratoderma; Dilated cardiomyopathy with woolly hair and keratoderma. Identifiers: Orphanet 65282, MedGen C1854063, MONDO:0011581, OMIM 605676.

Submission:

Labcorp Genetics (formerly Invitae), Labcorp
Classification: Pathogenic for Arrhythmogenic cardiomyopathy with wooly hair and keratoderma; Arrhythmogenic right ventricular dysplasia 8. Last evaluated: 2022-03-26. Review status: criteria provided, single submitter. Criteria: Invitae Variant Classification Sherloc (09022015). Collection method: clinical testing. Allele origin: germline.
Comment: For these reasons, this variant has been classified as Pathogenic. ClinVar contains an entry for this variant (Variation ID: 1071053). This premature translational stop signal has been observed in individuals with DSP-related conditions (PMID: 24938629). It has also been observed to segregate with disease in related individuals. This variant is not present in population databases (gnomAD no frequency). This sequence change creates a premature translational stop signal (p.Gln447*) in the DSP gene. It is expected to result in an absent or disrupted protein product. Loss-of-function variants in DSP are known to be pathogenic (PMID: 20716751, 24503780, 25227139).

Literature cited by the submitters: PubMed 24938629; PubMed 20716751; PubMed 24503780; PubMed 25227139.

NM_004415.4(DSP):c.1339C>T (p.Gln447Ter)

Gene: DSP (desmoplakin; plus strand). Cytogenetic location: 6p24.3.
Variant type: single nucleotide variant.
Coding change: c.1339C>T on transcript NM_004415.4 (MANE Select); coding-DNA position 1339, C replaced by T.
Protein change: p.Gln447Ter; replaces glutamine 447 with a stop codon.
Molecular consequence: nonsense.
Genome position (GRCh38, 1-based): chr6:7,568,509, C>T. VCF-style: chr6-7568509-C-T. GRCh37 (hg19) VCF-style: chr6-7568742-C-T.
Other names: c.1339C>T, p.Gln447Ter (NM_001008844.3, NM_001319034.2); short protein forms Q447*.
Identifiers: ClinVar variation 1071053 (VCV001071053.9), dbSNP rs2113674300, ClinGen allele CA362676483.